The following is an entry in ClinVar:

NM_033026.6(PCLO):c.10628T>C (p.Val3543Ala)

Gene: PCLO (piccolo presynaptic cytomatrix protein; minus strand). Cytogenetic location: 7q21.11.
Variant type: single nucleotide variant.
Coding change: c.10628T>C on transcript NM_033026.6 (MANE Select); coding-DNA position 10628, T replaced by C.
Protein change: p.Val3543Ala; replaces valine 3543 with alanine.
Molecular consequence: missense variant.
Genome position (GRCh38, 1-based): chr7:82,949,960, A>G on the plus strand (T>C on the coding strand, the complement: PCLO is on the minus strand). VCF-style: chr7-82949960-A-G. GRCh37 (hg19) VCF-style: chr7-82579276-A-G.
Other names: c.10628T>C, p.Val3543Ala (NM_014510.3); short protein forms V3543A.
Identifiers: ClinVar variation 2119126 (VCV002119126.2), dbSNP rs2535673795, ClinGen allele CA367902724.

ClinVar aggregate classification (germline): Uncertain significance (1 of 4 stars; one submission).

Allele frequency attached by ClinVar (database versions not stated): gnomAD exomes below 0.00001.

Submission:

Labcorp Genetics (formerly Invitae), Labcorp
Classification: Uncertain significance. Last evaluated: 2022-09-21. Review status: criteria provided, single submitter. Criteria: Invitae Variant Classification Sherloc (09022015). Collection method: clinical testing. Allele origin: germline.
Comment: In summary, the available evidence is currently insufficient to determine the role of this variant in disease. Therefore, it has been classified as a Variant of Uncertain Significance. Algorithms developed to predict the effect of missense changes on protein structure and function are either unavailable or do not agree on the potential impact of this missense change (SIFT: "Deleterious"; PolyPhen-2: "Not Available"; Align-GVGD: "Class C0"). This variant has not been reported in the literature in individuals affected with PCLO-related conditions. This variant is not present in population databases (gnomAD no frequency). This sequence change replaces valine, which is neutral and non-polar, with alanine, which is neutral and non-polar, at codon 3543 of the PCLO protein (p.Val3543Ala).